The following is an entry in ClinVar:

ClinVar aggregate classification (germline): Uncertain significance (1 of 4 stars; one submission).

gnomAD v4.1: 6 of 1,613,576 alleles (0.00037%); highest among the groups gnomAD compares: East Asian, 0.0022%; no homozygotes.

Submission:

Labcorp Genetics (formerly Invitae), Labcorp
Classification: Uncertain significance. Last evaluated: 2025-11-05. Review status: criteria provided, single submitter. Criteria: Invitae Variant Classification Sherloc (09022015). Collection method: clinical testing. Allele origin: germline.
Comment: This sequence change replaces lysine, which is basic and polar, with arginine, which is basic and polar, at codon 508 of the ZBTB18 protein (p.Lys508Arg). This variant is present in population databases (rs765539721, gnomAD 0.005%). This variant has not been reported in the literature in individuals affected with ZBTB18-related conditions. An algorithm developed to predict the effect of missense changes on protein structure and function (PolyPhen-2) suggests that this variant is likely to be disruptive. In summary, the available evidence is currently insufficient to determine the role of this variant in disease. Therefore, it has been classified as a Variant of Uncertain Significance.

NM_205768.3(ZBTB18):c.1523A>G (p.Lys508Arg)

Gene: ZBTB18 (zinc finger and BTB domain containing 18; plus strand). Cytogenetic location: 1q44.
Variant type: single nucleotide variant.
Coding change: c.1523A>G on transcript NM_205768.3 (MANE Select); coding-DNA position 1523, A replaced by G.
Protein change: p.Lys508Arg; replaces lysine 508 with arginine.
Molecular consequence: missense variant. On other transcripts: 3 prime UTR variant (1).
Genome position (GRCh38, 1-based): chr1:244,055,297, A>G. VCF-style: chr1-244055297-A-G. GRCh37 (hg19) VCF-style: chr1-244218599-A-G.
Other names: c.1496A>G, p.Lys499Arg (NM_001278196.2, NM_006352.5); c.*700A>G (NM_001421566.1); short protein forms K508R, K499R.
Identifiers: ClinVar variation 4773882 (VCV004773882.1).
Genomic context (GRCh38, chr1:244,055,297, plus strand): 5'-GGGACCTGTACAGACACATTCGCAAGTTCCACTGTGAGTTGGTGAACTCCTTGTCGGTCA[A>G]AAGCGAAGCACTGAGCTTGCCTACTGTCAGAGACTGGACCTTAGAAGATAGCTCTCAAGA-3'
Protein context (NP_991331.1, residues 498-518): HCELVNSLSV[Lys508Arg]SEALSLPTVR